The following is an entry in ClinVar:

ClinVar aggregate classification (germline): Uncertain significance (1 of 4 stars; one submission).

Submission:

Labcorp Genetics (formerly Invitae), Labcorp
Classification: Uncertain significance. Last evaluated: 2022-05-12. Review status: criteria provided, single submitter. Criteria: Invitae Variant Classification Sherloc (09022015). Collection method: clinical testing. Allele origin: germline.
Comment: In summary, the available evidence is currently insufficient to determine the role of this variant in disease. Therefore, it has been classified as a Variant of Uncertain Significance. This variant has not been reported in the literature in individuals affected with ICOSLG-related conditions. This variant is not present in population databases (gnomAD no frequency). This sequence change creates a premature translational stop signal (p.Arg17*) in the ICOSLG gene. It is expected to result in an absent or disrupted protein product. However, the current clinical and genetic evidence is not sufficient to establish whether loss-of-function variants in ICOSLG cause disease.

NM_015259.6(ICOSLG):c.49C>T (p.Arg17Ter)

Gene: ICOSLG (inducible T cell costimulator ligand; minus strand). Cytogenetic location: 21q22.3.
Variant type: single nucleotide variant.
Coding change: c.49C>T on transcript NM_015259.6 (MANE Select); coding-DNA position 49, C replaced by T.
Protein change: p.Arg17Ter; replaces arginine 17 with a stop codon.
Molecular consequence: nonsense. On other transcripts: 5 prime UTR variant (2).
Genome position (GRCh38, 1-based): chr21:44,238,454, G>A on the plus strand (C>T on the coding strand, the complement: ICOSLG is on the minus strand). VCF-style: chr21-44238454-G-A. GRCh37 (hg19) VCF-style: chr21-45658337-G-A.
Other names: c.49C>T, p.Arg17Ter (NM_001283050.2, NM_001283051.2, NM_001395918.1); c.-55C>T (NM_001283052.2); c.-33C>T (NM_001365759.2); short protein forms R17*.
Identifiers: ClinVar variation 1993782 (VCV001993782.4), dbSNP rs2517849551, ClinGen allele CA410616944.
Genomic context (GRCh38, chr21:44,238,454, plus strand): 5'-GGAGAGCCCATCTCTGAGCTGGGCGCCCCATGGCAAAGCACCCCCTGAACTTACCAGCTC[G>A]AAGGCTGCTGAAGAGCAGGAAGAGCAGTCCAGGACTGGAAAAAACAACCAGAAAGGCAGG-3'